The following is an entry in ClinVar:

NM_000548.5(TSC2):c.336G>A (p.Gln112=)

Gene: TSC2 (TSC complex subunit 2; plus strand). Cytogenetic location: 16p13.3.
Variant type: single nucleotide variant.
Coding change: c.336G>A on transcript NM_000548.5 (MANE Select); coding-DNA position 336, G replaced by A.
Protein change: p.Gln112=; no amino-acid change (glutamine 112 retained).
Molecular consequence: synonymous variant. On other transcripts: 5 prime UTR variant (14), non-coding transcript variant (5), intron variant (9).
Genome position (GRCh38, 1-based): chr16:2,053,452, G>A. VCF-style: chr16-2053452-G-A. GRCh37 (hg19) VCF-style: chr16-2103453-G-A.
Other names: c.336G>A, p.Gln112= (NM_001077183.3, NM_001114382.3, NM_001363528.2 and 10 more transcripts); c.189G>A, p.Gln63= (NM_001318829.2, NM_001406675.1, NM_001406676.1 and 2 more transcripts); c.369G>A, p.Gln123= (NM_001318832.2); c.-481G>A (NM_001406680.1, NM_001406683.1, NM_001406687.1); c.-110G>A (NM_001406681.1); c.-1096G>A (NM_001406689.1, NM_001406690.1, NM_001406691.1 and 2 more transcripts); c.-1402G>A (NM_001406693.1); c.-977G>A (NM_001406694.1, NM_001406695.1); and 4 more.
Identifiers: ClinVar variation 2832231 (VCV002832231.3), dbSNP rs2151029157, ClinGen allele CA492955284.

ClinVar aggregate classification (germline): Pathogenic (1 of 4 stars; one submission).

Conditions:
Tuberous sclerosis 2 (TSC2). Identifiers: Orphanet 805, MedGen C1860707, MONDO:0013199, OMIM 613254.

Submission:

Labcorp Genetics (formerly Invitae), Labcorp
Classification: Pathogenic for Tuberous sclerosis 2. Last evaluated: 2024-10-17. Review status: criteria provided, single submitter. Criteria: Invitae Variant Classification Sherloc (09022015). Collection method: clinical testing. Allele origin: germline.
Comment: This sequence change affects codon 112 of the TSC2 mRNA. It is a 'silent' change, meaning that it does not change the encoded amino acid sequence of the TSC2 protein. This variant also falls at the last nucleotide of exon 4, which is part of the consensus splice site for this exon. This variant is not present in population databases (gnomAD no frequency). This variant has been observed in individual(s) with clinical features consistent with tuberous sclerosis complex (internal data). In at least one individual the variant was observed to be de novo. Variants that disrupt the consensus splice site are a relatively common cause of aberrant splicing (PMID: 17576681, 9536098). Algorithms developed to predict the effect of sequence changes on RNA splicing suggest that this variant may disrupt the consensus splice site. For these reasons, this variant has been classified as Pathogenic.

Literature cited by the submitters: PubMed 17576681; PubMed 9536098.